The following is an entry in ClinVar:

NM_007194.4(CHEK2):c.877G>C (p.Asp293His)

Gene: CHEK2 (checkpoint kinase 2; minus strand). Cytogenetic location: 22q12.1.
Variant type: single nucleotide variant.
Coding change: c.877G>C on transcript NM_007194.4 (MANE Select); coding-DNA position 877, G replaced by C.
Protein change: p.Asp293His; replaces aspartic acid 293 with histidine.
Molecular consequence: missense variant.
Genome position (GRCh38, 1-based): chr22:28,703,536, C>G on the plus strand (G>C on the coding strand, the complement: CHEK2 is on the minus strand). VCF-style: chr22-28703536-C-G. GRCh37 (hg19) VCF-style: chr22-29099524-C-G.
Other names: c.1006G>C, p.Asp336His (NM_001005735.3); c.214G>C, p.Asp72His (NM_001257387.3); c.676G>C, p.Asp226His (NM_001349956.3); c.877G>C, p.Asp293His (NM_145862.3); short protein forms D226H, D293H, D336H, D72H.
Identifiers: ClinVar variation 2035280 (VCV002035280.4), dbSNP rs876658152, ClinGen allele CA411101150.

ClinVar aggregate classification (germline): Uncertain significance (1 of 4 stars; one submission).

Conditions:
Familial cancer of breast. Also called: BREAST CANCER, FAMILIAL; Hereditary breast cancer; hereditary breast carcinoma. Identifiers: Orphanet 227535, MedGen C0346153, MONDO:0016419, OMIM 114480. Disease mechanism: loss of function.

Submission:

Labcorp Genetics (formerly Invitae), Labcorp
Classification: Uncertain significance for Familial cancer of breast. Last evaluated: 2022-10-25. Review status: criteria provided, single submitter. Criteria: Invitae Variant Classification Sherloc (09022015). Collection method: clinical testing. Allele origin: germline.
Comment: In summary, the available evidence is currently insufficient to determine the role of this variant in disease. Therefore, it has been classified as a Variant of Uncertain Significance. Algorithms developed to predict the effect of missense changes on protein structure and function are either unavailable or do not agree on the potential impact of this missense change (SIFT: "Deleterious"; PolyPhen-2: "Benign"; Align-GVGD: "Class C0"). This variant has not been reported in the literature in individuals affected with CHEK2-related conditions. This variant is not present in population databases (gnomAD no frequency). This sequence change replaces aspartic acid, which is acidic and polar, with histidine, which is basic and polar, at codon 293 of the CHEK2 protein (p.Asp293His).